The following is an entry in ClinVar:

NM_017617.5(NOTCH1):c.6730A>T (p.Ile2244Phe)

Gene: NOTCH1 (notch receptor 1; minus strand). Cytogenetic location: 9q34.3.
Variant type: single nucleotide variant.
Coding change: c.6730A>T on transcript NM_017617.5 (MANE Select); coding-DNA position 6730, A replaced by T.
Protein change: p.Ile2244Phe; replaces isoleucine 2244 with phenylalanine.
Molecular consequence: missense variant.
Genome position (GRCh38, 1-based): chr9:136,497,009, T>A on the plus strand (A>T on the coding strand, the complement: NOTCH1 is on the minus strand). VCF-style: chr9-136497009-T-A. GRCh37 (hg19) VCF-style: chr9-139391461-T-A.
Other names: c.6730A>T (NM_017617.3); short protein forms I2244F.
Identifiers: ClinVar variation 3707972 (VCV003707972.3).

ClinVar aggregate classification (germline): Uncertain significance. Review status: criteria provided, multiple submitters, no conflicts (2 of 4 stars). 2 submissions from 2 submitters: Uncertain significance (2). Last evaluated 2025-07-09.

Conditions:
Familial thoracic aortic aneurysm and aortic dissection (TAAD). Also called: Thoracic aortic aneurysms and dissections. Identifiers: Orphanet 91387, MedGen C4707243, MONDO:0019625.
Adams-Oliver syndrome 5 (AOS5). Identifiers: Orphanet 974, MedGen C4014970, MONDO:0014459, OMIM 616028.

gnomAD v4.1: 2 of 1,609,942 alleles (0.00012%); highest among the groups gnomAD compares: Non-Finnish European, 0.00017%; no homozygotes.

Submissions (2):

Ambry Genetics
Classification: Uncertain significance for Familial thoracic aortic aneurysm and aortic dissection. Last evaluated: 2025-07-09. Review status: criteria provided, single submitter. Criteria: Ambry Variant Classification Scheme 2023. Collection method: clinical testing. Allele origin: germline.
Comment: The p.I2244F variant (also known as c.6730A>T), located in coding exon 34 of the NOTCH1 gene, results from an A to T substitution at nucleotide position 6730. The isoleucine at codon 2244 is replaced by phenylalanine, an amino acid with highly similar properties. This amino acid position is conserved. In addition, this alteration is predicted to be tolerated by in silico analysis. Based on the available evidence, the clinical significance of this variant remains unclear.

Labcorp Genetics (formerly Invitae), Labcorp
Classification: Uncertain significance for Adams-Oliver syndrome 5. Last evaluated: 2024-04-15. Review status: criteria provided, single submitter. Criteria: Invitae Variant Classification Sherloc (09022015). Collection method: clinical testing. Allele origin: germline.
Comment: This sequence change replaces isoleucine, which is neutral and non-polar, with phenylalanine, which is neutral and non-polar, at codon 2244 of the NOTCH1 protein (p.Ile2244Phe). This variant is not present in population databases (gnomAD no frequency). This variant has not been reported in the literature in individuals affected with NOTCH1-related conditions. Advanced modeling of protein sequence and biophysical properties (such as structural, functional, and spatial information, amino acid conservation, physicochemical variation, residue mobility, and thermodynamic stability) performed at Invitae indicates that this missense variant is not expected to disrupt NOTCH1 protein function with a negative predictive value of 80%. In summary, the available evidence is currently insufficient to determine the role of this variant in disease. Therefore, it has been classified as a Variant of Uncertain Significance.